The following is an entry in ClinVar:

NM_206933.4(USH2A):c.11626A>T (p.Lys3876Ter)

Gene: USH2A (usherin; minus strand). Cytogenetic location: 1q41.
Variant type: single nucleotide variant.
Coding change: c.11626A>T on transcript NM_206933.4 (MANE Select); coding-DNA position 11626, A replaced by T.
Protein change: p.Lys3876Ter; replaces lysine 3876 with a stop codon.
Molecular consequence: nonsense.
Genome position (GRCh38, 1-based): chr1:215,741,460, T>A on the plus strand (A>T on the coding strand, the complement: USH2A is on the minus strand). VCF-style: chr1-215741460-T-A. GRCh37 (hg19) VCF-style: chr1-215914802-T-A.
Other names: short protein forms K3876*.
Identifiers: ClinVar variation 1725555 (VCV001725555.2), dbSNP rs2465067641, ClinGen allele CA344833622.
Genomic context (GRCh38, chr1:215,741,460, plus strand): 5'-TTCCATTTGGTTTTTCAGGTGGCATCCACTTAATCTCTATGCAAGCTGACCCCAGTGCCT[T>A]AAGAACAGGAGAATTAAGATCCATTGGGGCTGCTTCAGGTGTTTTGACAAACATCCTACT-3'

ClinVar aggregate classification (germline): Likely pathogenic (1 of 4 stars; one submission).

Conditions:
Usher syndrome type 2A. Also called: RETINAL DISEASE IN USHER SYNDROME TYPE IIA, MODIFIER OF; USHER SYNDROME, TYPE IIA. Identifiers: Orphanet 231178, Orphanet 886, MedGen C1848634, MONDO:0010169, OMIM 276901.

Submission:

Myriad Genetics, Inc.
Classification: Likely pathogenic for Usher syndrome type 2A. Last evaluated: 2022-03-30. Review status: criteria provided, single submitter. Criteria: Myriad Women's Health Autosomal Recessive and X-Linked Classification Criteria (2021). Collection method: clinical testing. Allele origin: unknown.
Comment: NM_206933.2(USH2A):c.11626A>T(K3876*) is expected to be pathogenic in the context of USH2A-related disorders. This variant is predicted to lead to an abnormal or absent protein product due to the creation of a premature termination codon in USH2A, a gene where loss-of-function variants are known to be pathogenic. Please note: this variant was assessed in the context of healthy population screening.